The following is an entry in ClinVar:

NM_054012.4(ASS1):c.791G>T (p.Gly264Val)

Gene: ASS1 (argininosuccinate synthase 1; plus strand). Cytogenetic location: 9q34.11.
Variant type: single nucleotide variant.
Coding change: c.791G>T on transcript NM_054012.4 (MANE Select); coding-DNA position 791, G replaced by T.
Protein change: p.Gly264Val; replaces glycine 264 with valine.
Molecular consequence: missense variant.
Genome position (GRCh38, 1-based): chr9:130,480,402, G>T. VCF-style: chr9-130480402-G-T. GRCh37 (hg19) VCF-style: chr9-133355789-G-T.
Other names: c.791G>T, p.Gly264Val (NM_000050.4); short protein forms G264V.
Identifiers: ClinVar variation 1007324 (VCV001007324.9), dbSNP rs1846139972, ClinGen allele CA375229445.
Genomic context (GRCh38, chr9:130,480,402, plus strand): 5'-CTTGCGGTAGCGCCCGAACCTAATGGACCAGTTCTTCCCACAGGGGCAAGCATGGCGTGG[G>T]CCGTATTGACATCGTGGAGAACCGCTTCATTGGAATGAAGTCCCGAGGTGAGTCTGCTCA-3'
Protein context (NP_446464.1, residues 254-274): LNEVAGKHGV[Gly264Val]RIDIVENRFI

ClinVar aggregate classification (germline): Uncertain significance (1 of 4 stars; one submission).

Conditions:
Citrullinemia. Identifiers: Orphanet 187, MedGen C0175683, MONDO:0015991.

Submission:

Labcorp Genetics (formerly Invitae), Labcorp
Classification: Uncertain significance for Citrullinemia. Last evaluated: 2022-02-10. Review status: criteria provided, single submitter. Criteria: Invitae Variant Classification Sherloc (09022015). Collection method: clinical testing. Allele origin: germline.
Comment: This sequence change replaces glycine, which is neutral and non-polar, with valine, which is neutral and non-polar, at codon 264 of the ASS1 protein (p.Gly264Val). In summary, the available evidence is currently insufficient to determine the role of this variant in disease. Therefore, it has been classified as a Variant of Uncertain Significance. Algorithms developed to predict the effect of sequence changes on RNA splicing suggest that this variant may create or strengthen a splice site. Algorithms developed to predict the effect of missense changes on protein structure and function are either unavailable or do not agree on the potential impact of this missense change (SIFT: "Deleterious"; PolyPhen-2: "Probably Damaging"; Align-GVGD: "Class C0"). ClinVar contains an entry for this variant (Variation ID: 1007324). This variant has not been reported in the literature in individuals affected with ASS1-related conditions. This variant is not present in population databases (gnomAD no frequency).